The following is an entry in ClinVar:

ClinVar aggregate classification (germline): Likely benign (1 of 4 stars; one submission).

Conditions:
Lynch syndrome 4 (LYNCH4). Also called: Colorectal cancer, hereditary nonpolyposis, type 4; Hereditary non-polyposis colorectal cancer, type 4. Identifiers: Orphanet 144, MedGen C1838333, MONDO:0013699, OMIM 614337. Disease mechanism: loss of function.

Submission:

Myriad Genetics, Inc.
Classification: Likely benign for Lynch syndrome 4. Last evaluated: 2025-01-28. Review status: criteria provided, single submitter. Criteria: Myriad Autosomal Dominant, Autosomal Recessive and X-Linked Classification Criteria (2023). Collection method: clinical testing. Allele origin: unknown.
Comment: This variant is considered likely benign. This variant is intronic and is not expected to impact mRNA splicing.

NM_000535.7(PMS2):c.803+7A>T

Gene: PMS2 (PMS1 homolog 2, mismatch repair system component; minus strand). Cytogenetic location: 7p22.1.
Variant type: single nucleotide variant.
Coding change: c.803+7A>T on transcript NM_000535.7 (MANE Select); 7 bases into the intron after coding-DNA position 803, A replaced by T.
Molecular consequence: intron variant.
Genome position (GRCh38, 1-based): chr7:5,997,319, T>A on the plus strand (A>T on the coding strand, the complement: PMS2 is on the minus strand). VCF-style: chr7-5997319-T-A. GRCh37 (hg19) VCF-style: chr7-6036950-T-A.
Other names: c.398+7A>T (NM_001322010.2, NM_001322004.2, NM_001406889.1 and 19 more transcripts); c.494+7A>T (NM_001406879.1, NM_001322015.2, NM_001406900.1 and 6 more transcripts); c.485+7A>T (NM_001406902.1, NM_001406883.1, NM_001406901.1 and 4 more transcripts); c.290+7A>T (NM_001406904.1, NM_001406905.1); c.230+7A>T (NM_001322013.2, NM_001406909.1); c.-131+7A>T (NM_001322012.2, NM_001322011.2); c.467+7A>T (NM_001406885.1); c.537+5134A>T (NM_001406886.1); and 7 more.
Identifiers: ClinVar variation 3904037 (VCV003904037.1).